The following is an entry in ClinVar:

NM_000059.4(BRCA2):c.4551_4593del (p.Glu1518fs)

Gene: BRCA2 (BRCA2 DNA repair associated; plus strand). Cytogenetic location: 13q13.1.
Variant type: Deletion.
Coding change: c.4551_4593del on transcript NM_000059.4 (MANE Select); coding-DNA positions 4551 to 4593, 43 bases deleted.
Protein change: p.Glu1518fs; shifts the reading frame from glutamic acid 1518.
Molecular consequence: frameshift variant.
Genome position (GRCh38, 1-based): chr13:32,338,906-32,338,948, 43 bases deleted; deleting any 43 consecutive bases within chr13:32,338,904-32,338,948 gives the same sequence; the c. name uses the placement nearest the transcript's 3' end. GRCh37 (hg19): chr13:32,913,043-32,913,085.
Other names: c.4551_4593delAGAACCTACTCTATTGGGTTTTCATACAGCTAGCGGGAAAAAA (NM_000059.3); short protein forms E1518fs.
Identifiers: ClinVar variation 531201 (VCV000531201.10), dbSNP rs1555283841, ClinGen allele CA658798091.
Genomic context (GRCh38, chr13:32,338,903, plus strand): 5'-AGTTGGTACTGGAAATCAACTAGTGACCTTCCAGGGACAACCCGAACGTGATGAAAAGAT[CAAAGAACCTACTCTATTGGGTTTTCATACAGCTAGCGGGAAAA>C]AAGTTAAAATTGCAAAGGAATCTTTGGACAAAGTGAAAAACCTTTTTGATGAAAAAGAGC-3'

ClinVar aggregate classification (germline): Pathogenic/Likely pathogenic. Review status: criteria provided, multiple submitters, no conflicts (2 of 4 stars). 2 submissions from 2 submitters: Pathogenic (1); Likely pathogenic (1). Last evaluated 2024-07-24.

Conditions:
Hereditary breast ovarian cancer syndrome. Also called: Hereditary breast and ovarian cancer syndrome (HBOC); Hereditary breast and ovarian cancer syndrome; Breast and ovarian cancer; Hereditary breast and/or ovarian cancer syndrome; Hereditary breast and ovarian cancer; BRCA1- and BRCA2-Associated Hereditary Breast and Ovarian Cancer. Identifiers: Orphanet 145, MedGen C0677776, MeSH D061325, MONDO:0003582. Disease mechanism: loss of function.

Submissions (2):

Revvity Omics, Revvity
Classification: Likely pathogenic. Last evaluated: 2024-07-24. Review status: criteria provided, single submitter. Criteria: ACMG Guidelines, 2015. Collection method: clinical testing. Allele origin: germline.

Labcorp Genetics (formerly Invitae), Labcorp
Classification: Pathogenic for Hereditary breast ovarian cancer syndrome. Last evaluated: 2019-09-07. Review status: criteria provided, single submitter. Criteria: Invitae Variant Classification Sherloc (09022015). Collection method: clinical testing. Allele origin: germline.
Comment: For these reasons, this variant has been classified as Pathogenic. Loss-of-function variants in BRCA2 are known to be pathogenic (PMID: 20104584). This variant has not been reported in the literature in individuals with BRCA2-related disease. This variant is not present in population databases (ExAC no frequency). This sequence change creates a premature translational stop signal (p.Glu1518Leufs*11) in the BRCA2 gene. It is expected to result in an absent or disrupted protein product.

Literature cited by the submitters: PubMed 20104584 (cited by Labcorp Genetics (formerly Invitae), Labcorp).